The following is an entry in ClinVar:

NM_004369.4(COL6A3):c.6514G>C (p.Glu2172Gln)

Gene: COL6A3 (collagen type VI alpha 3 chain; minus strand). Cytogenetic location: 2q37.3.
Variant type: single nucleotide variant.
Coding change: c.6514G>C on transcript NM_004369.4 (MANE Select); coding-DNA position 6514, G replaced by C.
Protein change: p.Glu2172Gln; replaces glutamic acid 2172 with glutamine.
Molecular consequence: missense variant.
Genome position (GRCh38, 1-based): chr2:237,357,840, C>G on the plus strand (G>C on the coding strand, the complement: COL6A3 is on the minus strand). VCF-style: chr2-237357840-C-G. GRCh37 (hg19) VCF-style: chr2-238266483-C-G.
Other names: c.4693G>C, p.Glu1565Gln (NM_057166.5); c.5896G>C, p.Glu1966Gln (NM_057167.4); short protein forms E1565Q, E1966Q, E2172Q.
Identifiers: ClinVar variation 1719801 (VCV001719801.6), dbSNP rs2077351080, ClinGen allele CA351214381.

ClinVar aggregate classification (germline): Uncertain significance (1 of 4 stars; one submission).

Conditions:
Bethlem myopathy 1A. Also called: MYOPATHY, BENIGN CONGENITAL, WITH CONTRACTURES; Bethlem Muscular Dystrophy; Bethlem myopathy 1. Identifiers: Orphanet 610, MedGen CN029274, MONDO:0024530, OMIM 158810.

Submission:

Labcorp Genetics (formerly Invitae), Labcorp
Classification: Uncertain significance for Bethlem myopathy 1A. Last evaluated: 2022-09-19. Review status: criteria provided, single submitter. Criteria: Invitae Variant Classification Sherloc (09022015). Collection method: clinical testing. Allele origin: germline.
Comment: In summary, the available evidence is currently insufficient to determine the role of this variant in disease. Therefore, it has been classified as a Variant of Uncertain Significance. Advanced modeling of protein sequence and biophysical properties (such as structural, functional, and spatial information, amino acid conservation, physicochemical variation, residue mobility, and thermodynamic stability) performed at Invitae indicates that this missense variant is not expected to disrupt COL6A3 protein function. This variant has not been reported in the literature in individuals affected with COL6A3-related conditions. This variant is not present in population databases (gnomAD no frequency). This sequence change replaces glutamic acid, which is acidic and polar, with glutamine, which is neutral and polar, at codon 2172 of the COL6A3 protein (p.Glu2172Gln).